The following is an entry in ClinVar:

NM_001375567.1(FOCAD):c.1663-10G>A

Gene: FOCAD (focadhesin; plus strand). Cytogenetic location: 9p21.3.
Variant type: single nucleotide variant.
Coding change: c.1663-10G>A on transcript NM_001375567.1 (MANE Select); 10 bases into the intron before coding-DNA position 1663, G replaced by A.
Molecular consequence: intron variant.
Genome position (GRCh38, 1-based): chr9:20,820,931, G>A. VCF-style: chr9-20820931-G-A. GRCh37 (hg19) VCF-style: chr9-20820930-G-A.
Other names: c.1663-10G>A (NM_017794.5); c.1558-10G>A (NM_001375568.1, NM_001375570.1).
Identifiers: ClinVar variation 3057292 (VCV003057292.2), dbSNP rs781507484, ClinGen allele CA5006815.

ClinVar aggregate classification (germline): Likely benign (0 of 4 stars; one submission).

Conditions:
FOCAD-related disorder. Also called: FOCAD-related condition.

Allele frequency attached by ClinVar (database versions not stated): TOPMed 0.00002; gnomAD exomes 0.00004; ExAC 0.00009; gnomAD 0.00001.
gnomAD v4.1: 26 of 1,603,312 alleles (0.0016%); highest among the groups gnomAD compares: East Asian, 0.051%; no homozygotes.

Submission:

PreventionGenetics, part of Exact Sciences
Classification: Likely benign for FOCAD-related condition. Last evaluated: 2019-03-08. Review status: no assertion criteria provided. Collection method: clinical testing. Allele origin: germline.
Comment: This variant is classified as likely benign based on ACMG/AMP sequence variant interpretation guidelines (Richards et al. 2015 PMID: 25741868, with internal and published modifications).